The following is an entry in ClinVar:

ClinVar aggregate classification (germline): Uncertain significance. Review status: criteria provided, multiple submitters, no conflicts (2 of 4 stars). 2 submissions from 2 submitters: Uncertain significance (2). Last evaluated 2022-12-22.

Allele frequency attached by ClinVar (database versions not stated): gnomAD 0.00003; TOPMed 0.00003; gnomAD exomes 0.00004 and 0.00005; ExAC 0.00008.
gnomAD v4.1: 66 of 1,610,548 alleles (0.0041%); highest among the groups gnomAD compares: Non-Finnish European, 0.0054%; no homozygotes.

Submissions (2):

Blueprint Genetics
Classification: Uncertain significance. Last evaluated: 2022-12-22. Review status: criteria provided, single submitter. Criteria: ACMG Guidelines, 2015. Collection method: clinical testing. Allele origin: germline.

Labcorp Genetics (formerly Invitae), Labcorp
Classification: Uncertain significance. Last evaluated: 2022-03-09. Review status: criteria provided, single submitter. Criteria: Invitae Variant Classification Sherloc (09022015). Collection method: clinical testing. Allele origin: germline.
Comment: In summary, the available evidence is currently insufficient to determine the role of this variant in disease. Therefore, it has been classified as a Variant of Uncertain Significance. Algorithms developed to predict the effect of missense changes on protein structure and function output the following: SIFT: "Tolerated"; PolyPhen-2: "Possibly Damaging"; Align-GVGD: "Class C0". The cysteine amino acid residue is found in multiple mammalian species, which suggests that this missense change does not adversely affect protein function. ClinVar contains an entry for this variant (Variation ID: 959309). This variant has not been reported in the literature in individuals affected with RDH5-related conditions. This variant is present in population databases (rs753281982, gnomAD 0.01%). This sequence change replaces tyrosine, which is neutral and polar, with cysteine, which is neutral and slightly polar, at codon 318 of the RDH5 protein (p.Tyr318Cys).

NM_002905.5(RDH5):c.953A>G (p.Tyr318Cys)

Genes: BLOC1S1-RDH5 (BLOC1S1-RDH5 readthrough; plus strand), CD63 (CD63 molecule; minus strand), RDH5 (retinol dehydrogenase 5; plus strand). Cytogenetic location: 12q13.2.
Variant type: single nucleotide variant.
Coding change: c.953A>G on transcript NM_002905.5 (MANE Select); coding-DNA position 953, A replaced by G.
Protein change: p.Tyr318Cys; replaces tyrosine 318 with cysteine.
Molecular consequence: missense variant. On other transcripts: non-coding transcript variant (1).
Genome position (GRCh38, 1-based): chr12:55,724,541, A>G. VCF-style: chr12-55724541-A-G. GRCh37 (hg19) VCF-style: chr12-56118325-A-G.
Other names: c.953A>G, p.Tyr318Cys (NM_001199771.3); short protein forms Y318C.
Identifiers: ClinVar variation 959309 (VCV000959309.11), dbSNP rs753281982, ClinGen allele CA6616994.
Genomic context (GRCh38, chr12:55,724,541, plus strand): 5'-CAGCCAGCCTGGTGGATGCTGTGCTCACCTGGGTCCTTCCCAAGCCTGCCCAAGCAGTCT[A>G]CTGAATCCAGCCTTCCAGCAAGAGATTGTTTTTCAAGGACAAGGACTTTGATTTATTTCT-3'
Protein context (NP_002896.2, residues 308-318): WVLPKPAQAV[Tyr318Cys]